The following is an entry in ClinVar:

NM_000384.3(APOB):c.3309G>A (p.Glu1103=)

Gene: APOB (apolipoprotein B; minus strand). Cytogenetic location: 2p24.1.
Variant type: single nucleotide variant.
Coding change: c.3309G>A on transcript NM_000384.3 (MANE Select); coding-DNA position 3309, G replaced by A.
Protein change: p.Glu1103=; no amino-acid change (glutamic acid 1103 retained).
Molecular consequence: synonymous variant.
Genome position (GRCh38, 1-based): chr2:21,016,462, C>T on the plus strand (G>A on the coding strand, the complement: APOB is on the minus strand). VCF-style: chr2-21016462-C-T. GRCh37 (hg19) VCF-style: chr2-21239334-C-T.
Other names: c.3309G>A (NM_000384.2).
Identifiers: ClinVar variation 2945194 (VCV002945194.5), dbSNP rs755142645, ClinGen allele CA058463.
Genomic context (GRCh38, chr2:21,016,462, plus strand): 5'-CTGCAGTGCAGGTCAGATGACCCTCGGCCTTCTTTACCTTAGGTGGCCCATGAGGGCGAC[C>T]TCAGTAATTTTCTTGTTCTGAATGTCCAGGGTGAGTCTGTAAGACGTTTTGCCCTCAGTA-3'
Protein context (NP_000375.3, residues 1093-1113): TLDIQNKKIT[Glu1103=]VALMGHLSCD

ClinVar aggregate classification (germline): Likely benign. Review status: criteria provided, multiple submitters, no conflicts (2 of 4 stars). 3 submissions from 3 submitters: Likely benign (3). Last evaluated 2025-09-17.

Conditions:
Cardiovascular phenotype. Identifiers: MedGen CN230736.
Familial hypobetalipoproteinemia 1. Also called: APOB-Related Familial Hypobetalipoproteinemia; Hypobetalipoproteinemia, normotriglyceridemic; Acanthocytosis with hypobetalipoproteinemia. Identifiers: MedGen C4551990, MONDO:0014252, OMIM 615558.
Hypercholesterolemia, autosomal dominant, type B (FHCL2). Also called: Familial Hypercholesterolemia Type B; APOLIPOPROTEIN B-100, FAMILIAL DEFECTIVE; APOLIPOPROTEIN B-100, FAMILIAL LIGAND-DEFECTIVE; HYPERCHOLESTEROLEMIA, FAMILIAL, DUE TO LIGAND-DEFECTIVE APOLIPOPROTEIN B; Hyperlipoproteinemia Type IIb; Familial hypercholesterolemia 2. Identifiers: MedGen C1704417, MONDO:0007751, OMIM 144010.
Familial hypercholesterolemia. Also called: Familial hypercholesterolemias; Familial hypercholesterolaemia. Identifiers: MedGen C0020445, MONDO:0005439.

Allele frequency attached by ClinVar (database versions not stated): gnomAD exomes below 0.00001; TOPMed below 0.00001; ExAC 0.00001.
gnomAD v4.1: 6 of 1,609,562 alleles (0.00037%); highest among the groups gnomAD compares: Non-Finnish European, 0.00051%; no homozygotes.

Submissions (3):

Ambry Genetics
Classification: Likely benign for Cardiovascular phenotype. Last evaluated: 2025-09-17. Review status: criteria provided, single submitter. Criteria: Ambry Variant Classification Scheme 2023. Collection method: clinical testing. Allele origin: germline.

Labcorp Genetics (formerly Invitae), Labcorp
Classification: Likely benign for Familial hypobetalipoproteinemia 1; Hypercholesterolemia, autosomal dominant, type B. Last evaluated: 2025-09-05. Review status: criteria provided, single submitter. Criteria: Invitae Variant Classification Sherloc (09022015). Collection method: clinical testing. Allele origin: germline.

GENinCode PLC
Classification: Likely benign for Familial hypercholesterolemia. Last evaluated: 2025-07-25. Review status: criteria provided, single submitter. Criteria: ACMG Guidelines, 2015. Collection method: clinical testing. Allele origin: germline.
Comment: This is a synonymous (silent) variant that is not predicted to impact splicing and occurs at a nucleotide which is not highly conserved. This variant has been classified as Likely Benign (BP4, BP7).